The following is an entry in ClinVar:

ClinVar aggregate classification (germline): Pathogenic. Review status: criteria provided, multiple submitters, no conflicts (2 of 4 stars). 2 submissions from 2 submitters: Pathogenic (2). Last evaluated 2025-02-06.

Conditions:
Autosomal recessive severe congenital neutropenia due to CSF3R deficiency. Also called: Neutropenia, severe congenital, 7, autosomal recessive. Identifiers: Orphanet 420702, MedGen C4310764, MONDO:0014865, OMIM 617014.
CSF3R-Related Disorders.

gnomAD v4.1: 9 of 1,614,008 alleles (0.00056%); highest among the groups gnomAD compares: African/African-American, 0.0027%; no homozygotes.

Submissions (2):

Labcorp Genetics (formerly Invitae), Labcorp
Classification: Pathogenic for Autosomal recessive severe congenital neutropenia due to CSF3R deficiency. Last evaluated: 2025-02-06. Review status: criteria provided, single submitter. Criteria: Invitae Variant Classification Sherloc (09022015). Collection method: clinical testing. Allele origin: germline.
Comment: This sequence change creates a premature translational stop signal (p.Arg440*) in the CSF3R gene. It is expected to result in an absent or disrupted protein product. Loss-of-function variants in CSF3R are known to be pathogenic (PMID: 24753537, 26324699). This variant is present in population databases (rs756679232, gnomAD 0.01%). This premature translational stop signal has been observed in individual(s) with autosomal recessive CSF3R-related conditions (PMID: 32966608). For these reasons, this variant has been classified as Pathogenic.

Blueprint Genetics
Classification: Pathogenic for CSF3R-related disorders. Last evaluated: 2022-06-27. Review status: criteria provided, single submitter. Criteria: ACMG Guidelines, 2015. Collection method: clinical testing. Allele origin: germline. Affected: yes. Observed: 1 variant allele.

Literature cited by the submitters: PubMed 24753537 (cited by Labcorp Genetics (formerly Invitae), Labcorp); PubMed 26324699 (cited by Labcorp Genetics (formerly Invitae), Labcorp); PubMed 32966608 (cited by Labcorp Genetics (formerly Invitae), Labcorp).

NM_000760.4(CSF3R):c.1318C>T (p.Arg440Ter)

Gene: CSF3R (colony stimulating factor 3 receptor; minus strand). Cytogenetic location: 1p34.3.
Variant type: single nucleotide variant.
Coding change: c.1318C>T on transcript NM_000760.4 (MANE Select); coding-DNA position 1318, C replaced by T.
Protein change: p.Arg440Ter; replaces arginine 440 with a stop codon.
Molecular consequence: nonsense.
Genome position (GRCh38, 1-based): chr1:36,469,808, G>A on the plus strand (C>T on the coding strand, the complement: CSF3R is on the minus strand). VCF-style: chr1-36469808-G-A. GRCh37 (hg19) VCF-style: chr1-36935409-G-A.
Other names: c.1318C>T, p.Arg440Ter (NM_156039.3, NM_172313.3); short protein forms R440*.
Identifiers: ClinVar variation 4741276 (VCV004741276.2).
Genomic context (GRCh38, chr1:36,469,808, plus strand): 5'-CATAGCCCTGAGGCCATGGATTGGGGGGCTCCCAGCCTACCCAGAGGCTGTGAGGGTCTC[G>A]GGCCATGGCATGGAGTCTGGTCAGAGCTGGGCCTGGAGACAGGGTGGGAAATGGTGGAAT-3'